The following is an entry in ClinVar:

ClinVar aggregate classification (germline): Uncertain significance (1 of 4 stars; one submission).

Conditions:
Hereditary cancer-predisposing syndrome. Also called: Neoplastic Syndromes, Hereditary; Tumor predisposition; Hereditary Cancer Syndrome; Hereditary neoplastic syndrome. Identifiers: Orphanet 140162, MedGen C0027672, MeSH D009386, MONDO:0015356.

gnomAD v4.1: 2 of 1,614,008 alleles (0.00012%); highest among the groups gnomAD compares: Non-Finnish European, 0.00017%; no homozygotes.

Submission:

Ambry Genetics
Classification: Uncertain significance for Hereditary cancer-predisposing syndrome. Last evaluated: 2025-09-01. Review status: criteria provided, single submitter. Criteria: Ambry Variant Classification Scheme 2023. Collection method: clinical testing. Allele origin: germline.
Comment: The p.A911T variant (also known as c.2731G>A), located in coding exon 17 of the ATM gene, results from a G to A substitution at nucleotide position 2731. The alanine at codon 911 is replaced by threonine, an amino acid with similar properties. This amino acid position is conserved. In addition, this alteration is predicted to be tolerated by in silico analysis. Based on the available evidence, the clinical significance of this variant remains unclear.

NM_000051.4(ATM):c.2731G>A (p.Ala911Thr)

Gene: ATM (ATM serine/threonine kinase; plus strand). Cytogenetic location: 11q22.3.
Variant type: single nucleotide variant.
Coding change: c.2731G>A on transcript NM_000051.4 (MANE Select); coding-DNA position 2731, G replaced by A.
Protein change: p.Ala911Thr; replaces alanine 911 with threonine.
Molecular consequence: missense variant.
Genome position (GRCh38, 1-based): chr11:108,268,502, G>A. VCF-style: chr11-108268502-G-A. GRCh37 (hg19) VCF-style: chr11-108139229-G-A.
Other names: c.2731G>A, p.Ala911Thr (NM_001351834.2); short protein forms A911T.
Identifiers: ClinVar variation 4170380 (VCV004170380.1).